The following is an entry in ClinVar:

ClinVar aggregate classification (germline): Likely benign (1 of 4 stars; one submission).

gnomAD v4.1: 5 of 1,613,958 alleles (0.00031%); highest among the groups gnomAD compares: Non-Finnish European, 0.00042%; no homozygotes.

Submission:

CeGaT Center for Human Genetics Tuebingen
Classification: Likely benign. Last evaluated: 2024-12-01. Review status: criteria provided, single submitter. Criteria: CeGaT Center For Human Genetics Tuebingen Variant Classification Criteria Version 2. Collection method: clinical testing. Allele origin: germline. Affected: yes. Observed: 1 variant allele.
Comment: STAT2: BP4, BP7

NM_005419.4(STAT2):c.561T>C (p.Ser187=)

Gene: STAT2 (signal transducer and activator of transcription 2; minus strand). Cytogenetic location: 12q13.3.
Variant type: single nucleotide variant.
Coding change: c.561T>C on transcript NM_005419.4 (MANE Select); coding-DNA position 561, T replaced by C.
Protein change: p.Ser187=; no amino-acid change (serine 187 retained).
Molecular consequence: synonymous variant.
Genome position (GRCh38, 1-based): chr12:56,354,850, A>G on the plus strand (T>C on the coding strand, the complement: STAT2 is on the minus strand). VCF-style: chr12-56354850-A-G. GRCh37 (hg19) VCF-style: chr12-56748634-A-G.
Other names: c.549T>C, p.Ser183= (NM_001385110.1, NM_001385115.1, NM_198332.2); c.561T>C, p.Ser187= (NM_001385111.1, NM_001385113.1, NM_001385114.1).
Identifiers: ClinVar variation 3771694 (VCV003771694.13).